The following is an entry in ClinVar:

NM_138576.4(BCL11B):c.1844C>T (p.Ala615Val)

Gene: BCL11B (BCL11 transcription factor B; minus strand). Cytogenetic location: 14q32.2.
Variant type: single nucleotide variant.
Coding change: c.1844C>T on transcript NM_138576.4 (MANE Select); coding-DNA position 1844, C replaced by T.
Protein change: p.Ala615Val; replaces alanine 615 with valine.
Molecular consequence: missense variant.
Genome position (GRCh38, 1-based): chr14:99,174,992, G>A on the plus strand (C>T on the coding strand, the complement: BCL11B is on the minus strand). VCF-style: chr14-99174992-G-A. GRCh37 (hg19) VCF-style: chr14-99641329-G-A.
Other names: c.1841C>T, p.Ala614Val (NM_001282237.2); c.1628C>T, p.Ala543Val (NM_001282238.2); c.1631C>T, p.Ala544Val (NM_022898.3); short protein forms A614V, A615V, A543V, A544V.
Identifiers: ClinVar variation 2802844 (VCV002802844.3), dbSNP rs2503641761, ClinGen allele CA390934495.

ClinVar aggregate classification (germline): Uncertain significance (1 of 4 stars; one submission).

Allele frequency attached by ClinVar (database versions not stated): gnomAD exomes below 0.00001.
gnomAD v4.1: 1 of 1,580,262 alleles (0.000063%); highest among the groups gnomAD compares: Non-Finnish European, 0.000085%; no homozygotes.

Submission:

Labcorp Genetics (formerly Invitae), Labcorp
Classification: Uncertain significance. Last evaluated: 2022-12-14. Review status: criteria provided, single submitter. Criteria: Invitae Variant Classification Sherloc (09022015). Collection method: clinical testing. Allele origin: germline.
Comment: This sequence change replaces alanine, which is neutral and non-polar, with valine, which is neutral and non-polar, at codon 615 of the BCL11B protein (p.Ala615Val). In summary, the available evidence is currently insufficient to determine the role of this variant in disease. Therefore, it has been classified as a Variant of Uncertain Significance. Advanced modeling of protein sequence and biophysical properties (such as structural, functional, and spatial information, amino acid conservation, physicochemical variation, residue mobility, and thermodynamic stability) performed at Invitae indicates that this missense variant is not expected to disrupt BCL11B protein function. This variant has not been reported in the literature in individuals affected with BCL11B-related conditions. This variant is not present in population databases (gnomAD no frequency).